The following is an entry in ClinVar:

ClinVar aggregate classification (germline): Likely pathogenic (1 of 4 stars; one submission).

Submission:

GeneDx
Classification: Likely pathogenic. Last evaluated: 2024-02-20. Review status: criteria provided, single submitter. Criteria: GeneDx Variant Classification Process June 2021. Collection method: clinical testing. Allele origin: germline. Affected: yes.
Comment: Frameshift variant predicted to result in protein truncation or nonsense mediated decay in a gene for which loss-of-function is a known mechanism of disease; This variant is associated with the following publications: (PMID: 33963192)

NM_015465.5(GEMIN5):c.1856del (p.Glu619fs)

Gene: GEMIN5 (gem nuclear organelle associated protein 5; minus strand). Cytogenetic location: 5q33.2.
Variant type: Deletion.
Coding change: c.1856del on transcript NM_015465.5 (MANE Select); coding-DNA position 1856, one base deleted (A; older notation c.1856delA).
Protein change: p.Glu619fs; shifts the reading frame from glutamic acid 619.
Molecular consequence: frameshift variant.
Genome position (GRCh38, 1-based): chr5:154,913,038, T deleted on the plus strand (A on the coding strand, the reverse complement: GEMIN5 is on the minus strand). VCF-style (leftmost placement, unchanged base first): chr5-154913037-CT-C. GRCh37 (hg19) VCF-style: chr5-154292597-CT-C.
Other names: c.1853del, p.Glu618fs (NM_001252156.2); short protein forms E618fs, E619fs.
Identifiers: ClinVar variation 3340264 (VCV003340264.1).